The following is an entry in ClinVar:

NM_198282.4(STING1):c.65C>A (p.Ala22Asp)

Gene: STING1 (stimulator of interferon response cGAMP interactor 1; minus strand). Cytogenetic location: 5q31.2.
Variant type: single nucleotide variant.
Coding change: c.65C>A on transcript NM_198282.4 (MANE Select); coding-DNA position 65, C replaced by A.
Protein change: p.Ala22Asp; replaces alanine 22 with aspartic acid.
Molecular consequence: missense variant. On other transcripts: intron variant (1).
Genome position (GRCh38, 1-based): chr5:139,481,640, G>T on the plus strand (C>A on the coding strand, the complement: STING1 is on the minus strand). VCF-style: chr5-139481640-G-T. GRCh37 (hg19) VCF-style: chr5-138861225-G-T.
Other names: c.65C>A, p.Ala22Asp (NM_001301738.2); c.-130-298C>A (NM_001367258.1); c.65C>A (NM_198282.2); short protein forms A22D.
Identifiers: ClinVar variation 2050377 (VCV002050377.9), dbSNP rs1481478083, ClinGen allele CA361481929.

ClinVar aggregate classification (germline): Uncertain significance. Review status: criteria provided, multiple submitters, no conflicts (2 of 4 stars). 3 submissions from 3 submitters: Uncertain significance (3). Last evaluated 2025-08-08.

Conditions:
STING-associated vasculopathy with onset in infancy. Also called: Sting-associated vasculopathy, infantile-onset. Identifiers: Orphanet 425120, MedGen C4014722, MONDO:0014405, OMIM 615934.

Allele frequency attached by ClinVar (database versions not stated): TOPMed 0.00002.

Submissions (3):

Labcorp Genetics (formerly Invitae), Labcorp
Classification: Uncertain significance for STING-associated vasculopathy with onset in infancy. Last evaluated: 2025-08-08. Review status: criteria provided, single submitter. Criteria: Invitae Variant Classification Sherloc (09022015). Collection method: clinical testing. Allele origin: germline.
Comment: This sequence change replaces alanine, which is neutral and non-polar, with aspartic acid, which is acidic and polar, at codon 22 of the TMEM173 protein (p.Ala22Asp). This variant is present in population databases (no rsID available, gnomAD 0.003%). This variant has not been reported in the literature in individuals affected with TMEM173-related conditions. ClinVar contains an entry for this variant (Variation ID: 2050377). Invitae Evidence Modeling of protein sequence and biophysical properties (such as structural, functional, and spatial information, amino acid conservation, physicochemical variation, residue mobility, and thermodynamic stability) indicates that this missense variant is expected to disrupt TMEM173 protein function with a positive predictive value of 80%. In summary, the available evidence is currently insufficient to determine the role of this variant in disease. Therefore, it has been classified as a Variant of Uncertain Significance.

Dasa
Classification: Uncertain significance. Last evaluated: 2025-05-27. Review status: criteria provided, single submitter. Criteria: DASA Assertion Criteria. Collection method: clinical testing. Allele origin: germline.
Comment: NM_198282.4(TMEM173):c.65C>A (p.Ala22Asp) is a missense variant that results in the substitution of alanine with aspartic acid. This variant is rare in population databases. The currently available literature and clinical evidence are not sufficient to establish a definitive association between this variant and the reported condition. Therefore, this variant is classified as a variant of uncertain significance.

Revvity Omics, Revvity
Classification: Uncertain significance for STING-associated vasculopathy with onset in infancy. Last evaluated: 2020-04-29. Review status: criteria provided, single submitter. Criteria: ACMG Guidelines, 2015. Collection method: clinical testing. Allele origin: germline.